The following is an entry in ClinVar:

NM_005359.6(SMAD4):c.25A>G (p.Thr9Ala)

Gene: SMAD4 (SMAD family member 4; plus strand). Cytogenetic location: 18q21.2.
Variant type: single nucleotide variant.
Coding change: c.25A>G on transcript NM_005359.6 (MANE Select); coding-DNA position 25, A replaced by G.
Protein change: p.Thr9Ala; replaces threonine 9 with alanine.
Molecular consequence: missense variant.
Genome position (GRCh38, 1-based): chr18:51,047,071, A>G. VCF-style: chr18-51047071-A-G. GRCh37 (hg19) VCF-style: chr18-48573441-A-G.
Other names: short protein forms T9A.
Identifiers: ClinVar variation 1482735 (VCV001482735.12), dbSNP rs2144400315, ClinGen allele CA402457267.

ClinVar aggregate classification (germline): Uncertain significance. Review status: criteria provided, multiple submitters, no conflicts (2 of 4 stars). 4 submissions from 4 submitters: Uncertain significance (4). Last evaluated 2026-08-19.

Conditions:
Hereditary cancer-predisposing syndrome. Also called: Neoplastic Syndromes, Hereditary; Tumor predisposition; Hereditary neoplastic syndrome; Hereditary Cancer Syndrome. Identifiers: Orphanet 140162, MedGen C0027672, MeSH D009386, MONDO:0015356.
Familial thoracic aortic aneurysm and aortic dissection (TAAD). Also called: Thoracic aortic aneurysms and dissections. Identifiers: Orphanet 91387, MedGen C4707243, MONDO:0019625.
SMAD4-related disorder. Also called: SMAD4-related condition; SMAD4-Related disorders.
Juvenile polyposis syndrome (JPS). Identifiers: Orphanet 2929, MedGen C0345893, MONDO:0017380, OMIM 174900.

Submissions (4):

PreventionGenetics, part of Exact Sciences
Classification: Uncertain significance for SMAD4-related condition. Last evaluated: 2026-08-19. Review status: criteria provided, single submitter. Criteria: ACMG Guidelines, 2015. Collection method: clinical testing. Allele origin: germline.
Comment: The SMAD4 c.25A>G variant is predicted to result in the amino acid substitution p.Thr9Ala. To our knowledge, this variant has not been reported in the literature or in a large population database (gnomAD), indicating this variant is rare. At this time, the clinical significance of this variant is uncertain due to the absence of conclusive functional and genetic evidence.

Color Diagnostics, LLC DBA Color Health
Classification: Uncertain significance for Hereditary cancer-predisposing syndrome. Last evaluated: 2025-08-19. Review status: criteria provided, single submitter. Criteria: ACMG Guidelines, 2015. Collection method: clinical testing. Allele origin: germline.
Comment: This missense variant replaces threonine with alanine at codon 9 of the SMAD4 protein. Computational prediction suggests that this variant may not impact protein structure and function. To our knowledge, functional studies have not been reported for this variant. This variant has not been reported in individuals affected with SMAD4-related disorders in the literature. This variant has not been identified in the general population by the Genome Aggregation Database (gnomAD). The available evidence is insufficient to determine the role of this variant in disease conclusively. Therefore, this variant is classified as a Variant of Uncertain Significance.

Labcorp Genetics (formerly Invitae), Labcorp
Classification: Uncertain significance for Juvenile polyposis syndrome. Last evaluated: 2024-11-05. Review status: criteria provided, single submitter. Criteria: Invitae Variant Classification Sherloc (09022015). Collection method: clinical testing. Allele origin: germline.
Comment: This sequence change replaces threonine, which is neutral and polar, with alanine, which is neutral and non-polar, at codon 9 of the SMAD4 protein (p.Thr9Ala). This variant is not present in population databases (gnomAD no frequency). This variant has not been reported in the literature in individuals affected with SMAD4-related conditions. ClinVar contains an entry for this variant (Variation ID: 1482735). Invitae Evidence Modeling of protein sequence and biophysical properties (such as structural, functional, and spatial information, amino acid conservation, physicochemical variation, residue mobility, and thermodynamic stability) indicates that this missense variant is not expected to disrupt SMAD4 protein function with a negative predictive value of 95%. In summary, the available evidence is currently insufficient to determine the role of this variant in disease. Therefore, it has been classified as a Variant of Uncertain Significance.

Ambry Genetics
Classification: Uncertain significance for Hereditary cancer-predisposing syndrome; Familial thoracic aortic aneurysm and aortic dissection. Last evaluated: 2022-05-06. Review status: criteria provided, single submitter. Criteria: Ambry Variant Classification Scheme 2023. Collection method: clinical testing. Allele origin: germline.
Comment: The p.T9A variant (also known as c.25A>G), located in coding exon 1 of the SMAD4 gene, results from an A to G substitution at nucleotide position 25. The threonine at codon 9 is replaced by alanine, an amino acid with similar properties. This amino acid position is well conserved in available vertebrate species. In addition, this alteration is predicted to be deleterious by in silico analysis. Since supporting evidence is limited at this time, the clinical significance of this alteration remains unclear.